The following is an entry in ClinVar:

NM_006904.7(PRKDC):c.1936G>C (p.Val646Leu)

Gene: PRKDC (protein kinase, DNA-activated, catalytic subunit; minus strand). Cytogenetic location: 8q11.21.
Variant type: single nucleotide variant.
Coding change: c.1936G>C on transcript NM_006904.7 (MANE Select); coding-DNA position 1936, G replaced by C.
Protein change: p.Val646Leu; replaces valine 646 with leucine.
Molecular consequence: missense variant.
Genome position (GRCh38, 1-based): chr8:47,929,969, C>G on the plus strand (G>C on the coding strand, the complement: PRKDC is on the minus strand). VCF-style: chr8-47929969-C-G. GRCh37 (hg19) VCF-style: chr8-48842529-C-G.
Other names: c.1936G>C, p.Val646Leu (NM_001081640.2); short protein forms V646L.
Identifiers: ClinVar variation 3225768 (VCV003225768.1), dbSNP rs1174478130, ClinGen allele CA371164324.

ClinVar aggregate classification (germline): Uncertain significance (1 of 4 stars; one submission).

Submission:

Ambry Genetics
Classification: Uncertain significance. Last evaluated: 2024-02-02. Review status: criteria provided, single submitter. Criteria: Ambry Variant Classification Scheme 2023. Collection method: clinical testing. Allele origin: germline.
Comment: The p.V646L variant (also known as c.1936G>C), located in coding exon 18 of the PRKDC gene, results from a G to C substitution at nucleotide position 1936. The valine at codon 646 is replaced by leucine, an amino acid with highly similar properties. This amino acid position is conserved. In addition, this alteration is predicted to be tolerated by in silico analysis. Based on the available evidence, the clinical significance of this alteration remains unclear.